The following is an entry in ClinVar:

ClinVar aggregate classification (germline): Uncertain significance (1 of 4 stars; one submission).

Conditions:
Symmetrical dyschromatosis of extremities (DSH). Also called: DYSCHROMATOSIS SYMMETRICA HEREDITARIA 1; RETICULATE ACROPIGMENTATION OF DOHI; SYMMETRIC DYSCHROMATOSIS OF THE EXTREMITIES; Dyschromatosis symmetrica hereditaria. Identifiers: Orphanet 41, MedGen C0406775, MONDO:0007483, OMIM 127400.
Aicardi-Goutieres syndrome 6 (AGS6). Identifiers: Orphanet 51, MedGen C3539013, MONDO:0014007, OMIM 615010.

Submission:

Labcorp Genetics (formerly Invitae), Labcorp
Classification: Uncertain significance for Aicardi-Goutieres syndrome 6; Symmetrical dyschromatosis of extremities. Last evaluated: 2023-09-27. Review status: criteria provided, single submitter. Criteria: Invitae Variant Classification Sherloc (09022015). Collection method: clinical testing. Allele origin: germline.
Comment: This variant has not been reported in the literature in individuals affected with ADAR-related conditions. Advanced modeling of protein sequence and biophysical properties (such as structural, functional, and spatial information, amino acid conservation, physicochemical variation, residue mobility, and thermodynamic stability) performed at Invitae indicates that this missense variant is not expected to disrupt ADAR protein function. In summary, the available evidence is currently insufficient to determine the role of this variant in disease. Therefore, it has been classified as a Variant of Uncertain Significance. This sequence change replaces glycine, which is neutral and non-polar, with valine, which is neutral and non-polar, at codon 1202 of the ADAR protein (p.Gly1202Val). This variant is not present in population databases (gnomAD no frequency).

NM_001111.5(ADAR):c.3605G>T (p.Gly1202Val)

Gene: ADAR (adenosine deaminase RNA specific; minus strand). Cytogenetic location: 1q21.3.
Variant type: single nucleotide variant.
Coding change: c.3605G>T on transcript NM_001111.5 (MANE Select); coding-DNA position 3605, G replaced by T.
Protein change: p.Gly1202Val; replaces glycine 1202 with valine.
Molecular consequence: missense variant.
Genome position (GRCh38, 1-based): chr1:154,584,882, C>A on the plus strand (G>T on the coding strand, the complement: ADAR is on the minus strand). VCF-style: chr1-154584882-C-A. GRCh37 (hg19) VCF-style: chr1-154557358-C-A.
Other names: c.2720G>T, p.Gly907Val (NM_001025107.3, NM_001193495.2, NM_001365046.1 and 2 more transcripts); c.3632G>T, p.Gly1211Val (NM_001365045.1); c.2642G>T, p.Gly881Val (NM_001365049.1); c.3527G>T, p.Gly1176Val (NM_015840.4); c.3470G>T, p.Gly1157Val (NM_015841.4); short protein forms G1176V, G907V, G1157V, G1211V, G881V, G1202V.
Identifiers: ClinVar variation 2952325 (VCV002952325.3), dbSNP rs2526443232, ClinGen allele CA342634587.